The following is an entry in ClinVar:

NM_145038.5(DRC1):c.1424C>T (p.Ala475Val)

Gene: DRC1 (dynein regulatory complex subunit 1; plus strand). Cytogenetic location: 2p23.3.
Variant type: single nucleotide variant.
Coding change: c.1424C>T on transcript NM_145038.5 (MANE Select); coding-DNA position 1424, C replaced by T.
Protein change: p.Ala475Val; replaces alanine 475 with valine.
Molecular consequence: missense variant.
Genome position (GRCh38, 1-based): chr2:26,448,718, C>T. VCF-style: chr2-26448718-C-T. GRCh37 (hg19) VCF-style: chr2-26671586-C-T.
Other names: short protein forms A475V.
Identifiers: ClinVar variation 575005 (VCV000575005.7), dbSNP rs200155316, ClinGen allele CA1562258.

ClinVar aggregate classification (germline): Uncertain significance. Review status: criteria provided, multiple submitters, no conflicts (2 of 4 stars). 2 submissions from 2 submitters: Uncertain significance (2). Last evaluated 2021-10-05.

Conditions:
Primary ciliary dyskinesia. Also called: Ciliary dyskinesia. Identifiers: Orphanet 244, MedGen C0008780, MONDO:0016575, HP:0012265.
Primary ciliary dyskinesia 21. Also called: CILIARY DYSKINESIA, PRIMARY, 21, WITHOUT SITUS INVERSUS. Identifiers: Orphanet 244, MedGen C3809087, MONDO:0014123, OMIM 615294.

Allele frequency attached by ClinVar (database versions not stated): ExAC 0.00007; gnomAD exomes 0.00009 and 0.00006; gnomAD 0.00001; TOPMed 0.00003.
gnomAD v4.1: 137 of 1,614,092 alleles (0.0085%); highest among the groups gnomAD compares: Middle Eastern, 0.033%; 1 homozygote.

Submissions (2):

Department of Pathology and Laboratory Medicine, Sinai Health System
Classification: Uncertain significance for Primary ciliary dyskinesia 21. Last evaluated: 2021-10-05. Review status: criteria provided, single submitter. Criteria: ACMG Guidelines, 2015. Collection method: research. Allele origin: germline.

Labcorp Genetics (formerly Invitae), Labcorp
Classification: Uncertain significance for Primary ciliary dyskinesia. Last evaluated: 2021-09-01. Review status: criteria provided, single submitter. Criteria: Invitae Variant Classification Sherloc (09022015). Collection method: clinical testing. Allele origin: germline.
Comment: This sequence change replaces alanine with valine at codon 475 of the DRC1 protein (p.Ala475Val). The alanine residue is weakly conserved and there is a small physicochemical difference between alanine and valine. This variant is present in population databases (rs200155316, ExAC 0.03%). This variant has not been reported in the literature in individuals affected with DRC1-related conditions. Algorithms developed to predict the effect of missense changes on protein structure and function (SIFT, PolyPhen-2, Align-GVGD) all suggest that this variant is likely to be tolerated. In summary, the available evidence is currently insufficient to determine the role of this variant in disease. Therefore, it has been classified as a Variant of Uncertain Significance.